The following is an entry in ClinVar:

ClinVar aggregate classification (germline): Uncertain significance. Review status: criteria provided, multiple submitters, no conflicts (2 of 4 stars). 5 submissions from 5 submitters: Uncertain significance (4). 1 of the submissions does not count toward it. Last evaluated 2023-08-28.

Conditions:
PEX11B-related disorder. Also called: PEX11B-related condition.
Peroxisome biogenesis disorder 14B (PEX14B). Identifiers: Orphanet 44, MedGen C3554055, MONDO:0013967, OMIM 614920.
Inborn genetic diseases. Identifiers: MedGen C0950123, MeSH D030342.

Allele frequency attached by ClinVar (database versions not stated): gnomAD 0.00003 and 0.00004; gnomAD exomes 0.00004 and 0.00012; TOPMed 0.00004; ESP Exome Variant Server 0.00008; ExAC 0.00010; 1000 Genomes Project 30x 0.00016; 1000 Genomes Project 0.00020.
gnomAD v4.1: 61 of 1,612,838 alleles (0.0038%); highest among the groups gnomAD compares: South Asian, 0.041%; no homozygotes.

Submissions (5):

Ambry Genetics
Classification: Uncertain significance for Inborn genetic diseases. Last evaluated: 2023-08-28. Review status: criteria provided, single submitter. Criteria: Ambry Variant Classification Scheme 2023. Collection method: clinical testing. Allele origin: germline.

Labcorp Genetics (formerly Invitae), Labcorp
Classification: Uncertain significance. Last evaluated: 2022-10-24. Review status: criteria provided, single submitter. Criteria: Invitae Variant Classification Sherloc (09022015). Collection method: clinical testing. Allele origin: germline.
Comment: This sequence change replaces arginine, which is basic and polar, with glutamine, which is neutral and polar, at codon 191 of the PEX11B protein (p.Arg191Gln). This variant is present in population databases (rs376116716, gnomAD 0.07%). This variant has not been reported in the literature in individuals affected with PEX11B-related conditions. ClinVar contains an entry for this variant (Variation ID: 594186). Algorithms developed to predict the effect of missense changes on protein structure and function output the following: SIFT: "Tolerated"; PolyPhen-2: "Benign"; Align-GVGD: "Class C0". The glutamine amino acid residue is found in multiple mammalian species, which suggests that this missense change does not adversely affect protein function. In summary, the available evidence is currently insufficient to determine the role of this variant in disease. Therefore, it has been classified as a Variant of Uncertain Significance.

Fulgent Genetics
Classification: Uncertain significance for Peroxisome biogenesis disorder 14B. Last evaluated: 2021-10-11. Review status: criteria provided, single submitter. Criteria: ACMG Guidelines, 2015. Collection method: clinical testing. Allele origin: unknown.

Eurofins Ntd Llc (ga)
Classification: Uncertain significance. Last evaluated: 2017-09-20. Review status: criteria provided, single submitter. Criteria: EGL Classification Definitions 2015. Collection method: clinical testing. Allele origin: germline. Observed: 1 variant allele, 1 heterozygote.

PreventionGenetics, part of Exact Sciences
Classification: Uncertain significance for PEX11B-related condition. Last evaluated: 2024-09-04. Review status: no assertion criteria provided. Collection method: clinical testing. Allele origin: germline. Not counted in ClinVar's aggregate classification.
Comment: The PEX11B c.572G>A variant is predicted to result in the amino acid substitution p.Arg191Gln. To our knowledge, this variant has not been reported in the literature. This variant is reported in 0.076% of alleles in individuals of South Asian descent in gnomAD. Although we suspect that this variant may be benign, at this time, the clinical significance of this variant is uncertain due to the absence of conclusive functional and genetic evidence.

NM_003846.3(PEX11B):c.572G>A (p.Arg191Gln)

Gene: PEX11B (peroxisomal biogenesis factor 11 beta; minus strand). Cytogenetic location: 1q21.1.
Variant type: single nucleotide variant.
Coding change: c.572G>A on transcript NM_003846.3 (MANE Select); coding-DNA position 572, G replaced by A.
Protein change: p.Arg191Gln; replaces arginine 191 with glutamine.
Molecular consequence: missense variant. On other transcripts: non-coding transcript variant (3).
Genome position (GRCh38, 1-based): chr1:145,912,369, C>T on the plus strand (G>A on the coding strand, the complement: PEX11B is on the minus strand). VCF-style: chr1-145912369-C-T. GRCh37 (hg19) VCF-style: chr1-145522711-G-A.
Other names: c.530G>A, p.Arg177Gln (NM_001184795.1); c.572G>A (NM_003846.2); short protein forms R191Q, R177Q.
Identifiers: ClinVar variation 594186 (VCV000594186.14), dbSNP rs376116716, ClinGen allele CA1055631.